The following is an entry in ClinVar:

ClinVar aggregate classification (germline): Uncertain significance (1 of 4 stars; one submission).

Allele frequency attached by ClinVar (database versions not stated): ExAC 0.00001; gnomAD 0.00001; gnomAD exomes 0.00001; TOPMed 0.00001; ESP Exome Variant Server 0.00008.
gnomAD v4.1: 11 of 1,611,246 alleles (0.00068%); highest among the groups gnomAD compares: Non-Finnish European, 0.00085%; no homozygotes.

Submission:

Labcorp Genetics (formerly Invitae), Labcorp
Classification: Uncertain significance. Last evaluated: 2024-10-21. Review status: criteria provided, single submitter. Criteria: Invitae Variant Classification Sherloc (09022015). Collection method: clinical testing. Allele origin: germline.
Comment: This sequence change replaces serine, which is neutral and polar, with glycine, which is neutral and non-polar, at codon 123 of the C11orf70 protein (p.Ser123Gly). This variant is present in population databases (rs368772756, gnomAD 0.005%). This variant has not been reported in the literature in individuals affected with C11orf70-related conditions. ClinVar contains an entry for this variant (Variation ID: 2044999). Invitae Evidence Modeling of protein sequence and biophysical properties (such as structural, functional, and spatial information, amino acid conservation, physicochemical variation, residue mobility, and thermodynamic stability) indicates that this missense variant is not expected to disrupt C11orf70 protein function with a negative predictive value of 80%. In summary, the available evidence is currently insufficient to determine the role of this variant in disease. Therefore, it has been classified as a Variant of Uncertain Significance.

NM_032930.3(CFAP300):c.367A>G (p.Ser123Gly)

Gene: CFAP300 (cilia and flagella associated protein 300; plus strand). Cytogenetic location: 11q22.1.
Variant type: single nucleotide variant.
Coding change: c.367A>G on transcript NM_032930.3 (MANE Select); coding-DNA position 367, A replaced by G.
Protein change: p.Ser123Gly; replaces serine 123 with glycine.
Molecular consequence: missense variant. On other transcripts: intron variant (1).
Genome position (GRCh38, 1-based): chr11:102,066,583, A>G. VCF-style: chr11-102066583-A-G. GRCh37 (hg19) VCF-style: chr11-101937314-A-G.
Other names: c.367A>G, p.Ser123Gly (NM_001363505.2); c.268+7628A>G (NM_001195005.2); short protein forms S123G.
Identifiers: ClinVar variation 2044999 (VCV002044999.3), dbSNP rs368772756, ClinGen allele CA6245986.